The following is an entry in ClinVar:

ClinVar aggregate classification (germline): Likely benign (0 of 4 stars; one submission).

Conditions:
EP300-related disorder. Also called: EP300-related disorders; EP300-related condition.

gnomAD v4.1: 1 of 1,612,668 alleles (0.000062%); highest among the groups gnomAD compares: Non-Finnish European, 0.000085%; no homozygotes.

Submission:

PreventionGenetics, part of Exact Sciences
Classification: Likely benign for EP300-related condition. Last evaluated: 2021-12-30. Review status: no assertion criteria provided. Collection method: clinical testing. Allele origin: germline.
Comment: This variant is classified as likely benign based on ACMG/AMP sequence variant interpretation guidelines (Richards et al. 2015 PMID: 25741868, with internal and published modifications).

NM_001429.4(EP300):c.3717G>A (p.Leu1239=)

Gene: EP300 (E1A binding protein p300; plus strand). Cytogenetic location: 22q13.2.
Variant type: single nucleotide variant.
Coding change: c.3717G>A on transcript NM_001429.4 (MANE Select); coding-DNA position 3717, G replaced by A.
Protein change: p.Leu1239=; no amino-acid change (leucine 1239 retained).
Molecular consequence: synonymous variant.
Genome position (GRCh38, 1-based): chr22:41,162,768, G>A. VCF-style: chr22-41162768-G-A. GRCh37 (hg19) VCF-style: chr22-41558772-G-A.
Other names: c.3639G>A, p.Leu1213= (NM_001362843.2).
Identifiers: ClinVar variation 3354970 (VCV003354970.1).
Genomic context (GRCh38, chr22:41,162,768, plus strand): 5'-CTTTTCTCTCCTTAGTACAATAAATAAAGAACAATTTTCCAAGAGAAAAAATGACACACT[G>A]GATCCTGAACTGTAAGTACGATCCCCTTGAATAGTCAGTACGCTTTGGCTTTTCTTTTTC-3'
Protein context (NP_001420.2, residues 1229-1249): EQFSKRKNDT[Leu1239=]DPELFVECTE